The following is an entry in ClinVar:

NM_003482.4(KMT2D):c.15089G>A (p.Arg5030His)

Gene: KMT2D (lysine methyltransferase 2D; minus strand). Cytogenetic location: 12q13.12.
Variant type: single nucleotide variant.
Coding change: c.15089G>A on transcript NM_003482.4 (MANE Select); coding-DNA position 15089, G replaced by A.
Protein change: p.Arg5030His; replaces arginine 5030 with histidine.
Molecular consequence: missense variant.
Genome position (GRCh38, 1-based): chr12:49,026,877, C>T on the plus strand (G>A on the coding strand, the complement: KMT2D is on the minus strand). VCF-style: chr12-49026877-C-T. GRCh37 (hg19) VCF-style: chr12-49420660-C-T.
Other names: c.15089G>A (NM_003482.3); short protein forms R5030H.
Identifiers: ClinVar variation 689727 (VCV000689727.3), dbSNP rs1592105909, ClinGen allele CA384690103.

ClinVar aggregate classification (germline): Conflicting classifications of pathogenicity. Review status: criteria provided, conflicting classifications (1 of 4 stars). 3 submissions from 3 submitters: Pathogenic (1); Likely pathogenic (1); Uncertain significance (1). Last evaluated 2024-11-15.

Conditions:
Kabuki syndrome 1 (KABUK1). Also called: KMT2D-Related Kabuki Syndrome. Identifiers: Orphanet 2322, MedGen CN030661, MONDO:0007843, OMIM 147920.

Submissions (3):

GeneDx
Classification: Pathogenic. Last evaluated: 2024-11-15. Review status: criteria provided, single submitter. Criteria: GeneDx Variant Classification Process June 2021. Collection method: clinical testing. Allele origin: germline. Affected: yes.
Comment: Not observed at significant frequency in large population cohorts (gnomAD); In silico analysis supports that this missense variant has a deleterious effect on protein structure/function; Reported in a patient with an atypical/complex diagnosis in published literature; however, specific clinical details were not provided (PMID: 31216405); This variant is associated with the following publications: (PMID: 30107592, Bonuccelli2023[casereport], 31216405)

Blueprint Genetics
Classification: Uncertain significance. Last evaluated: 2019-07-24. Review status: criteria provided, single submitter. Criteria: ACMG Guidelines, 2015. Collection method: clinical testing. Allele origin: germline.

Baylor Genetics
Classification: Likely pathogenic for Kabuki syndrome 1. Last evaluated: 2018-10-12. Review status: criteria provided, single submitter. Criteria: ACMG Guidelines, 2015. Collection method: clinical testing. Allele origin: germline. Affected: yes.